The following is an entry in ClinVar:

ClinVar aggregate classification (germline): Uncertain significance. Review status: criteria provided, multiple submitters, no conflicts (2 of 4 stars). 5 submissions from 5 submitters: Uncertain significance (3). 2 of the submissions do not count toward it. Last evaluated 2024-04-04.

Conditions:
Epileptic encephalopathy. Identifiers: MedGen C0543888, HP:0200134.
Flexion contracture. Also called: Contractures; Contracture; Flexion deformity. Identifiers: MedGen C0333068, HP:0001371.
Congenital myopathy 20 (CMYO20). Identifiers: MedGen C5830393, MONDO:0957215, OMIM 620310.

Allele frequency attached by ClinVar (database versions not stated): gnomAD 0.00006; TOPMed 0.00008.
gnomAD v4.1: 95 of 1,613,368 alleles (0.0059%); highest among the groups gnomAD compares: Middle Eastern, 0.16%; no homozygotes.

Submissions (5):

Genomic Medicine Center of Excellence, King Faisal Specialist Hospital and Research Centre
Classification: Uncertain significance for Congenital myopathy 20. Last evaluated: 2024-04-04. Review status: criteria provided, single submitter. Criteria: ACMG Guidelines, 2015. Collection method: clinical testing. Allele origin: germline.

Kariminejad - Najmabadi Pathology & Genetics Center
Classification: Uncertain significance for Congenital myopathy 20. Last evaluated: 2023-07-23. Review status: criteria provided, single submitter. Criteria: ACMG Guidelines, 2015. Collection method: clinical testing. Allele origin: germline. Inheritance: Autosomal recessive inheritance. Affected: yes.
Comment: PM2,PP3,PM3

Labcorp Genetics (formerly Invitae), Labcorp
Classification: Uncertain significance for Epileptic encephalopathy. Last evaluated: 2022-07-19. Review status: criteria provided, single submitter. Criteria: Invitae Variant Classification Sherloc (09022015). Collection method: clinical testing. Allele origin: germline.
Comment: In summary, the available evidence is currently insufficient to determine the role of this variant in disease. Therefore, it has been classified as a Variant of Uncertain Significance. Algorithms developed to predict the effect of missense changes on protein structure and function are either unavailable or do not agree on the potential impact of this missense change (SIFT: "Deleterious"; PolyPhen-2: "Probably Damaging"; Align-GVGD: "Class C0"). ClinVar contains an entry for this variant (Variation ID: 655096). This missense change has been observed in individual(s) with nemaline myopathy as well as in individual(s) with arthrogryposis (PMID: 29498452, 31230720). This variant is present in population databases (rs200346049, gnomAD 0.02%). This sequence change replaces arginine, which is basic and polar, with leucine, which is neutral and non-polar, at codon 2980 of the RYR3 protein (p.Arg2980Leu).

OMIM
Classification: Pathogenic for CONGENITAL MYOPATHY 20. Last evaluated: 2024-07-16. Review status: no assertion criteria provided. Collection method: literature only. Allele origin: germline. Not counted in ClinVar's aggregate classification.

Lupski Lab, Baylor-Hopkins CMG, Baylor College of Medicine
Classification: Uncertain significance for Flexion contracture. Review status: no assertion criteria provided. Collection method: research. Allele origin: inherited. Inheritance: Autosomal recessive inheritance. Affected: yes. Observed: 4 variant alleles, 3 heterozygotes, 1 homozygote. Not counted in ClinVar's aggregate classification.

Literature cited by the submitters: PubMed 29498452 (cited by Labcorp Genetics (formerly Invitae), Labcorp and OMIM); PubMed 31230720 (cited by Labcorp Genetics (formerly Invitae), Labcorp and OMIM).

NM_001036.6(RYR3):c.8939G>T (p.Arg2980Leu)

Gene: RYR3 (ryanodine receptor 3; plus strand). Cytogenetic location: 15q14.
Variant type: single nucleotide variant.
Coding change: c.8939G>T on transcript NM_001036.6 (MANE Select); coding-DNA position 8939, G replaced by T.
Protein change: p.Arg2980Leu; replaces arginine 2980 with leucine.
Molecular consequence: missense variant.
Genome position (GRCh38, 1-based): chr15:33,772,042, G>T. VCF-style: chr15-33772042-G-T. GRCh37 (hg19) VCF-style: chr15-34064243-G-T.
Other names: RYR3, ARG2980LEU (rs200346049); c.8939G>T, p.Arg2980Leu (NM_001243996.4); short protein forms R2980L.
Identifiers: ClinVar variation 655096 (VCV000655096.14), dbSNP rs200346049, ClinGen allele CA7460368.